The following is an entry in ClinVar:

NM_001271696.3(ABCB7):c.1315A>C (p.Ile439Leu)

Gene: ABCB7 (ATP binding cassette subfamily B member 7; minus strand). Cytogenetic location: Xq13.3.
Variant type: single nucleotide variant.
Coding change: c.1315A>C on transcript NM_001271696.3 (MANE Select); coding-DNA position 1315, A replaced by C.
Protein change: p.Ile439Leu; replaces isoleucine 439 with leucine.
Molecular consequence: missense variant.
Genome position (GRCh38, 1-based): chrX:75,070,415, T>G on the plus strand (A>C on the coding strand, the complement: ABCB7 is on the minus strand). VCF-style: chrX-75070415-T-G. GRCh37 (hg19) VCF-style: chrX-74290250-T-G.
Other names: c.1195A>C, p.Ile399Leu (NM_001271697.3); c.1237A>C, p.Ile413Leu (NM_001271698.3); c.1198A>C, p.Ile400Leu (NM_001271699.3); c.1318A>C, p.Ile440Leu (NM_004299.6); short protein forms I439L, I413L, I400L, I440L, I399L.
Identifiers: ClinVar variation 2016484 (VCV002016484.4), dbSNP rs2519821708, ClinGen allele CA413676008.
Genomic context (GRCh38, chrX:75,070,415, plus strand): 5'-GATTACTTACTTTAATTTGGGTGTCTACCTTGAGTAGAGTAAACAAGGTGTTCATATCTA[T>G]GAGTGCTTGTCTAGTCTCTCTATATACAGTTCCCAGAAAGTTCAGGGGTAATGAAAGCTG-3'
Protein context (NP_001258625.1, residues 429-449): TVYRETRQAL[Ile439Leu]DMNTLFTLLK

ClinVar aggregate classification (germline): Uncertain significance (1 of 4 stars; one submission).

Submission:

Labcorp Genetics (formerly Invitae), Labcorp
Classification: Uncertain significance. Last evaluated: 2022-07-13. Review status: criteria provided, single submitter. Criteria: Invitae Variant Classification Sherloc (09022015). Collection method: clinical testing. Allele origin: germline.
Comment: In summary, the available evidence is currently insufficient to determine the role of this variant in disease. Therefore, it has been classified as a Variant of Uncertain Significance. Algorithms developed to predict the effect of missense changes on protein structure and function (SIFT, PolyPhen-2, Align-GVGD) all suggest that this variant is likely to be tolerated. This variant has not been reported in the literature in individuals affected with ABCB7-related conditions. This variant is not present in population databases (gnomAD no frequency). This sequence change replaces isoleucine, which is neutral and non-polar, with leucine, which is neutral and non-polar, at codon 440 of the ABCB7 protein (p.Ile440Leu).